The following is an entry in ClinVar:

NM_001042492.3(NF1):c.5322G>A (p.Gly1774=)

Gene: NF1 (neurofibromin 1; plus strand). Cytogenetic location: 17q11.2.
Variant type: single nucleotide variant.
Coding change: c.5322G>A on transcript NM_001042492.3 (MANE Select); coding-DNA position 5322, G replaced by A.
Protein change: p.Gly1774=; no amino-acid change (glycine 1774 retained).
Molecular consequence: synonymous variant.
Genome position (GRCh38, 1-based): chr17:31,327,552, G>A. VCF-style: chr17-31327552-G-A. GRCh37 (hg19) VCF-style: chr17-29654570-G-A.
Other names: c.5259G>A, p.Gly1753= (NM_000267.4).
Identifiers: ClinVar variation 220747 (VCV000220747.19), dbSNP rs201584313, ClinGen allele CA348031.

ClinVar aggregate classification (germline): Benign/Likely benign. Review status: criteria provided, multiple submitters, no conflicts (2 of 4 stars). 8 submissions from 8 submitters: Benign (1); Likely benign (6). 1 of the submissions does not count toward it. Last evaluated 2026-05-20.

Conditions:
NF1-related disorder. Also called: NF1-related condition. Identifiers: MedGen CN379171.
Hereditary cancer-predisposing syndrome. Also called: Tumor predisposition; Hereditary neoplastic syndrome; Neoplastic Syndromes, Hereditary; Hereditary Cancer Syndrome. Identifiers: Orphanet 140162, MedGen C0027672, MeSH D009386, MONDO:0015356.
Neurofibromatosis, familial spinal (FSNF). Identifiers: Orphanet 636, MedGen C1834235, MONDO:0008078, OMIM 162210. Disease mechanism: loss of function.
Neurofibromatosis-Noonan syndrome (NFNS). Also called: NEUROFIBROMATOSIS WITH NOONAN PHENOTYPE. Identifiers: Orphanet 638, MedGen C2931482, MONDO:0011035, OMIM 601321. Disease mechanism: loss of function.
Café-au-lait macules with pulmonary stenosis (WTSN). Also called: PULMONIC STENOSIS WITH CAFE-AU-LAIT SPOTS. Identifiers: MedGen C0553586, MONDO:0008672, OMIM 193520.
Juvenile myelomonocytic leukemia (JMML). Also called: LEUKEMIA, JUVENILE MYELOMONOCYTIC, SOMATIC. Identifiers: Orphanet 86834, MedGen C0349639, MONDO:0011908, OMIM 607785, HP:0012209.
Neurofibromatosis, type 1 (NF1). Also called: Neurofibromatosis, type I; NEUROFIBROMATOSIS, TYPE I, SOMATIC; VON RECKLINGHAUSEN DISEASE; Peripheral type neurofibromatosis. Identifiers: Orphanet 636, MedGen C0027831, MONDO:0018975, OMIM 162200. Disease mechanism: loss of function.

Allele frequency attached by ClinVar (database versions not stated): gnomAD exomes 0.00001 and 0.00003; ExAC 0.00003; 1000 Genomes Project 0.00020; gnomAD 0.00012 and 0.00011; TOPMed 0.00015; 1000 Genomes Project 30x 0.00031.
gnomAD v4.1: 31 of 1,614,126 alleles (0.0019%); highest among the groups gnomAD compares: African/African-American, 0.041%; no homozygotes.

Submissions (8):

Myriad Genetics, Inc.
Classification: Benign for Neurofibromatosis, type 1. Last evaluated: 2026-05-20. Review status: criteria provided, single submitter. Criteria: Myriad Autosomal Dominant, Autosomal Recessive and X-Linked Classification Criteria (2023). Collection method: clinical testing. Allele origin: unknown.
Comment: This variant is considered benign. This variant is a silent/synonymous amino acid change and it is not expected to impact splicing.

Labcorp Genetics (formerly Invitae), Labcorp
Classification: Likely benign for Neurofibromatosis, type 1. Last evaluated: 2026-01-11. Review status: criteria provided, single submitter. Criteria: Invitae Variant Classification Sherloc (09022015). Collection method: clinical testing. Allele origin: germline.

Fulgent Genetics
Classification: Likely benign for Neurofibromatosis, type 1; Neurofibromatosis, familial spinal; Café-au-lait macules with pulmonary stenosis; Neurofibromatosis-Noonan syndrome; Juvenile myelomonocytic leukemia. Last evaluated: 2022-04-14. Review status: criteria provided, single submitter. Criteria: ACMG Guidelines, 2015. Collection method: clinical testing. Allele origin: unknown.

Genome-Nilou Lab
Classification: Likely benign for Neurofibromatosis, type 1. Last evaluated: 2022-03-15. Review status: criteria provided, single submitter. Criteria: ACMG Guidelines, 2015. Collection method: clinical testing. Allele origin: germline. Affected: no.

Sema4
Classification: Likely benign for Hereditary cancer-predisposing syndrome. Last evaluated: 2021-10-09. Review status: criteria provided, single submitter. Criteria: Sema4 Curation Guidelines. Collection method: curation. Allele origin: germline.

GeneDx
Classification: Likely benign. Last evaluated: 2020-07-30. Review status: criteria provided, single submitter. Criteria: GeneDx Variant Classification Process June 2021. Collection method: clinical testing. Allele origin: germline. Affected: yes.

Ambry Genetics
Classification: Likely benign for Hereditary cancer-predisposing syndrome. Last evaluated: 2015-11-01. Review status: criteria provided, single submitter. Criteria: Ambry Autosomal Dominant and X-Linked criteria (10/2015). Collection method: clinical testing. Allele origin: germline. Observed: 1 variant allele.
Comment: Synonymous alterations with insufficient evidence to classify as benign

PreventionGenetics, part of Exact Sciences
Classification: Likely benign for NF1-related condition. Last evaluated: 2019-04-23. Review status: no assertion criteria provided. Collection method: clinical testing. Allele origin: germline. Not counted in ClinVar's aggregate classification.
Comment: This variant is classified as likely benign based on ACMG/AMP sequence variant interpretation guidelines (Richards et al. 2015 PMID: 25741868, with internal and published modifications).